The following is an entry in ClinVar:

NM_019892.6(INPP5E):c.975C>T (p.Ala325=)

Gene: INPP5E (inositol polyphosphate-5-phosphatase E; minus strand). Cytogenetic location: 9q34.3.
Variant type: single nucleotide variant.
Coding change: c.975C>T on transcript NM_019892.6 (MANE Select); coding-DNA position 975, C replaced by T.
Protein change: p.Ala325=; no amino-acid change (alanine 325 retained).
Molecular consequence: synonymous variant.
Genome position (GRCh38, 1-based): chr9:136,434,096, G>A on the plus strand (C>T on the coding strand, the complement: INPP5E is on the minus strand). VCF-style: chr9-136434096-G-A. GRCh37 (hg19) VCF-style: chr9-139328548-G-A.
Other names: c.975C>T (NM_019892.5); c.975C>T, p.Ala325= (NM_001318502.2).
Identifiers: ClinVar variation 700371 (VCV000700371.14), dbSNP rs143258290, ClinGen allele CA5337008.

ClinVar aggregate classification (germline): Likely benign. Review status: criteria provided, multiple submitters, no conflicts (2 of 4 stars). 4 submissions from 4 submitters: Likely benign (3). 1 of the submissions does not count toward it. Last evaluated 2026-01-19.

Conditions:
Joubert syndrome. Also called: JOUBERT-BOLTSHAUSER SYNDROME; Familial aplasia of the vermis. Identifiers: Orphanet 475, MedGen C5979921, MONDO:0018772.
INPP5E-related disorder. Also called: INPP5E-related condition.

Allele frequency attached by ClinVar (database versions not stated): TOPMed 0.00014; ESP Exome Variant Server 0.00023.
gnomAD v4.1: 267 of 1,610,752 alleles (0.017%); highest among the groups gnomAD compares: Non-Finnish European, 0.02%; no homozygotes.

Submissions (4):

Labcorp Genetics (formerly Invitae), Labcorp
Classification: Likely benign for Joubert syndrome. Last evaluated: 2026-01-19. Review status: criteria provided, single submitter. Criteria: Invitae Variant Classification Sherloc (09022015). Collection method: clinical testing. Allele origin: germline.

Laboratory of Genetics, Children's Clinical University Hospital Latvia
Classification: Likely benign. Last evaluated: 2025-02-16. Review status: criteria provided, single submitter. Criteria: ACMG Guidelines, 2015. Collection method: clinical testing. Allele origin: germline. Affected: yes.

Blueprint Genetics
Classification: Likely benign. Last evaluated: 2024-10-16. Review status: criteria provided, single submitter. Criteria: ACMG Guidelines, 2015. Collection method: clinical testing. Allele origin: germline.

PreventionGenetics, part of Exact Sciences
Classification: Likely benign for INPP5E-related condition. Last evaluated: 2022-08-11. Review status: no assertion criteria provided. Collection method: clinical testing. Allele origin: germline. Not counted in ClinVar's aggregate classification.
Comment: This variant is classified as likely benign based on ACMG/AMP sequence variant interpretation guidelines (Richards et al. 2015 PMID: 25741868, with internal and published modifications).